The following is an entry in ClinVar:

NM_001009944.3(PKD1):c.6078C>T (p.Val2026=)

Gene: PKD1 (polycystin 1, transient receptor potential channel interacting; minus strand). Cytogenetic location: 16p13.3.
Variant type: single nucleotide variant.
Coding change: c.6078C>T on transcript NM_001009944.3 (MANE Select); coding-DNA position 6078, C replaced by T.
Protein change: p.Val2026=; no amino-acid change (valine 2026 retained).
Molecular consequence: synonymous variant.
Genome position (GRCh38, 1-based): chr16:2,109,089, G>A on the plus strand (C>T on the coding strand, the complement: PKD1 is on the minus strand). VCF-style: chr16-2109089-G-A. GRCh37 (hg19) VCF-style: chr16-2159090-G-A.
Other names: c.6078C>T, p.Val2026= (NM_000296.4).
Identifiers: ClinVar variation 256986 (VCV000256986.41), dbSNP rs147253810, ClinGen allele CA7831736.
Genomic context (GRCh38, chr16:2,109,089, plus strand): 5'-CAGGGCGTTGAAGGCGCGCACCTGGATCTCCAACAGCCCCGCGGCCACGGGCGTGTAGGT[G>A]ACGTCGCGGCCCGACAGGATGACCAGCGAGTCGCCCTGGACCTTCTGCAGCGAGAAGTAC-3'
Protein context (NP_001009944.3, residues 2016-2036): DSLVILSGRD[Val2026=]TYTPVAAGLL

ClinVar aggregate classification (germline): Benign/Likely benign. Review status: criteria provided, multiple submitters, no conflicts (2 of 4 stars). 9 submissions from 9 submitters: Benign (3); Likely benign (2). 4 of the submissions do not count toward it. Last evaluated 2024-10-28.

Conditions:
Polycystic kidney disease, adult type (PKD1). Also called: POLYCYSTIC KIDNEY DISEASE 1 WITH OR WITHOUT POLYCYSTIC LIVER DISEASE; Polycystic Kidney Disease 1, Autosomal Dominant; Polycystic kidney disease 1; Polycystic kidney disease 1, severe; Polycystic Kidney, Autosomal Dominant; POLYCYSTIC KIDNEY DISEASE, ADULT, TYPE I. Identifiers: MedGen C3149841, MONDO:0008263, OMIM 173900.
Polycystic kidney disease. Also called: Kidney, Polycystic; Polycystic kidney dysplasia. Identifiers: MedGen C0022680, MeSH D007690, MONDO:0020642, HP:0000113.

Allele frequency attached by ClinVar (database versions not stated): gnomAD 0.00047 and 0.00085; TOPMed 0.00054; ESP Exome Variant Server 0.00062; 1000 Genomes Project 30x 0.00141; 1000 Genomes Project 0.00160; gnomAD exomes 0.00168 and 0.00191; ExAC 0.00215.
gnomAD v4.1: 2,544 of 1,603,832 alleles (0.16%); highest among the groups gnomAD compares: South Asian, 1.2%; 20 homozygotes.

Submissions (9):

Blueprint Genetics
Classification: Likely benign. Last evaluated: 2024-10-28. Review status: criteria provided, single submitter. Criteria: ACMG Guidelines, 2015. Collection method: clinical testing. Allele origin: germline.

CeGaT Center for Human Genetics Tuebingen
Classification: Benign. Last evaluated: 2023-11-01. Review status: criteria provided, single submitter. Criteria: CeGaT Center For Human Genetics Tuebingen Variant Classification Criteria Version 2. Collection method: clinical testing. Allele origin: germline. Affected: yes. Observed: 1 variant allele.
Comment: PKD1: BP4, BP7, BS1, BS2

Athena Diagnostics
Classification: Benign. Last evaluated: 2021-05-03. Review status: criteria provided, single submitter. Criteria: Athena Diagnostics criteria. Collection method: clinical testing. Allele origin: unknown.

ARUP Laboratories, Molecular Genetics and Genomics, ARUP Laboratories
Classification: Benign for Polycystic kidney disease, adult type. Last evaluated: 2018-12-19. Review status: criteria provided, single submitter. Criteria: ARUP Molecular Germline Variant Investigation Process. Collection method: clinical testing. Allele origin: germline.

PreventionGenetics, part of Exact Sciences
Classification: Likely benign. Review status: criteria provided, single submitter. Criteria: ACMG Guidelines, 2015. Collection method: clinical testing. Allele origin: germline.

Genetic Services Laboratory, University of Chicago
Classification: Benign. Last evaluated: 2022-12-19. Review status: no assertion criteria provided. Collection method: clinical testing. Allele origin: germline. Affected: no. Not counted in ClinVar's aggregate classification.

Clinical Genetics DNA and cytogenetics Diagnostics Lab, Erasmus MC, Erasmus Medical Center
Classification: Benign. Review status: no assertion criteria provided. Collection method: clinical testing. Allele origin: germline. Affected: yes. Study: VKGL Data-share Consensus. Not counted in ClinVar's aggregate classification.

Department of Pathology and Laboratory Medicine, Sinai Health System
Classification: Benign for Polycystic Kidney disease. Review status: no assertion criteria provided. Collection method: clinical testing. Allele origin: unknown. Affected: yes. Observed: 1 variant allele. Study: The Canadian Open Genetics Repository (COGR). Not counted in ClinVar's aggregate classification.
Comment: The PKD1 p.Val2026Val variant was identified as a polymorphism in 1 of 164 proband chromosomes (frequency: 0.006) from individuals or families with ADPKD (Garcia-Gonzalez 2007). The variant was also identified in dbSNP (ID: rs147253810) as â€šÃ„ÃºNAâ€šÃ„Ã¹, with a minor allele frequency of 0.0016 (8 of 5000 chromosomes) in the 1000 Genome Project; the NHLBI GO Exome Sequencing Project in 8 of 8572 European American chromosomes, the Exome Aggregation Consortium database (March 14, 2016) in 245 (3 homozygous) of 114048 chromosomes (freq. 0.002148) in the following populations: South Asian in 199 of 16220 chromosomes (freq. 0.01227), European (Non-Finnish) in 42 of 61954 chromosomes (freq. 0.0006779), Latino in 2 of 11342 chromosomes (freq. 0.0001763), African in 1 of 8888 chromosomes (freq. 0.0001125), and other in 1 of 840 chromosomes (freq. 0.00119), but was not seen in East Asian and Finnish populations, increasing the likelihood this could be a low frequency benign variant. In addition we cannot be certain that data from control databases is specific to PKD1 and not from one of the six PKD1 pseudogenes. The variant was identified in GeneInsight COGR (as benign) and the ADPKD Mutation Database (as likely neutral). The p.Val2026Val variant is not expected to have clinical significance because it does not result in a change of amino acid and is not located in a known consensus splice site. In addition, in silico or computational prediction software programs (SpliceSiteFinder, MaxEntScan, NNSPLICE, GeneSplicer, HumanSpliceFinder) do not predict a difference in splicing. In summary, based on the above information, this variant is classified as benign.

Genome Diagnostics Laboratory, University Medical Center Utrecht
Classification: Benign. Review status: no assertion criteria provided. Collection method: clinical testing. Allele origin: germline. Affected: yes. Study: VKGL Data-share Consensus. Not counted in ClinVar's aggregate classification.